The following is an entry in ClinVar:

NC_000010.10:g.(?_18629856)_(18629926_?)dup

Gene: CACNB2 (calcium voltage-gated channel auxiliary subunit beta 2; plus strand). Cytogenetic location: 10p12.32.
Variant type: Duplication.
Identifiers: ClinVar variation 2427688 (VCV002427688.4).

ClinVar aggregate classification (germline): Uncertain significance (1 of 4 stars; one submission).

Conditions:
Brugada syndrome 4 (BRGDA4). Identifiers: Orphanet 130, MedGen C2678477, MONDO:0012743, OMIM 611876.

Submission:

Labcorp Genetics (formerly Invitae), Labcorp
Classification: Uncertain significance for Brugada syndrome 4. Last evaluated: 2022-10-07. Review status: criteria provided, single submitter. Criteria: Invitae Variant Classification Sherloc (09022015). Collection method: clinical testing. Allele origin: germline.
Comment: Experimental studies and prediction algorithms are not available or were not evaluated, and the functional significance of this variant is currently unknown. This variant has not been reported in the literature in individuals affected with CACNB2-related conditions. This variant results in a copy number gain of the genomic region encompassing exon(s) 1 of the CACNB2 gene. This region includes the initiator codon of the gene. This copy number gain extends beyond the assayed region for this gene and therefore may encompass additional genes. As the precise location of this event is unknown, it may be in tandem or it may be located elsewhere in the genome. In summary, the available evidence is currently insufficient to determine the role of this variant in disease. Therefore, it has been classified as a Variant of Uncertain Significance.